The following is an entry in ClinVar:

ClinVar aggregate classification (germline): Uncertain significance. Review status: criteria provided, multiple submitters, no conflicts (2 of 4 stars). 3 submissions from 3 submitters: Uncertain significance (2). 1 of the submissions does not count toward it. Last evaluated 2024-02-12.

Conditions:
Inborn genetic diseases. Identifiers: MedGen C0950123, MeSH D030342.
Meckel-Gruber syndrome. Also called: DYSENCEPHALIA SPLANCHNOCYSTICA; GRUBER SYNDROME; Dysencephalia splachnocystica. Identifiers: Orphanet 564, MedGen C0265215, MONDO:0018921.
Nephronophthisis. Also called: Juvenile Nephronophthisis. Identifiers: Orphanet 655, MedGen C0687120, MONDO:0019005, HP:0000090.
Joubert syndrome. Also called: CEREBELLOPARENCHYMAL DISORDER IV; JOUBERT-BOLTSHAUSER SYNDROME; Familial aplasia of the vermis. Identifiers: Orphanet 475, MedGen C5979921, MONDO:0018772.
Leber congenital amaurosis (LCA). Also called: Leber's amaurosis. Identifiers: Orphanet 65, MedGen C0339527, MeSH D057130, MONDO:0018998.

Allele frequency attached by ClinVar (database versions not stated): TOPMed 0.00001.

Submissions (3):

Ambry Genetics
Classification: Uncertain significance for Inborn genetic diseases. Last evaluated: 2024-02-12. Review status: criteria provided, single submitter. Criteria: Ambry Variant Classification Scheme 2023. Collection method: clinical testing. Allele origin: germline.

Labcorp Genetics (formerly Invitae), Labcorp
Classification: Uncertain significance for Joubert syndrome; Meckel-Gruber syndrome; Nephronophthisis. Last evaluated: 2021-09-01. Review status: criteria provided, single submitter. Criteria: Invitae Variant Classification Sherloc (09022015). Collection method: clinical testing. Allele origin: germline.
Comment: This sequence change replaces methionine with isoleucine at codon 2163 of the CEP290 protein (p.Met2163Ile). The methionine residue is moderately conserved and there is a small physicochemical difference between methionine and isoleucine. This variant is not present in population databases (ExAC no frequency). This variant has not been reported in the literature in individuals affected with CEP290-related conditions. Algorithms developed to predict the effect of missense changes on protein structure and function (SIFT, PolyPhen-2, Align-GVGD) all suggest that this variant is likely to be tolerated. In summary, the available evidence is currently insufficient to determine the role of this variant in disease. Therefore, it has been classified as a Variant of Uncertain Significance.

Natera, Inc.
Classification: Uncertain significance for Leber congenital amaurosis. Last evaluated: 2020-11-30. Review status: no assertion criteria provided. Collection method: clinical testing. Allele origin: germline. Not counted in ClinVar's aggregate classification.

NM_025114.4(CEP290):c.6489G>A (p.Met2163Ile)

Gene: CEP290 (centrosomal protein 290; minus strand). Cytogenetic location: 12q21.32.
Variant type: single nucleotide variant.
Coding change: c.6489G>A on transcript NM_025114.4 (MANE Select); coding-DNA position 6489, G replaced by A.
Protein change: p.Met2163Ile; replaces methionine 2163 with isoleucine.
Molecular consequence: missense variant.
Genome position (GRCh38, 1-based): chr12:88,060,863, C>T on the plus strand (G>A on the coding strand, the complement: CEP290 is on the minus strand). VCF-style: chr12-88060863-C-T. GRCh37 (hg19) VCF-style: chr12-88454640-C-T.
Other names: short protein forms M2163I.
Identifiers: ClinVar variation 839842 (VCV000839842.9), dbSNP rs1017249180, ClinGen allele CA241147773.
Genomic context (GRCh38, chr12:88,060,863, plus strand): 5'-AAAAATGATCACATTAAAAAAAATTACCTTCAATTTTTCATTTTCCTGCTCAATATTAGC[C>T]ATTTTTTCACTAGTCAATATTCCTGATGCTTTTTTCAACTGTTCATTTTCTCTCTGGACT-3'
Protein context (NP_079390.3, residues 2153-2173): KASGILTSEK[Met2163Ile]ANIEQENEKL